The following is an entry in ClinVar:

ClinVar aggregate classification (germline): Benign/Likely benign. Review status: criteria provided, multiple submitters, no conflicts (2 of 4 stars). 7 submissions from 6 submitters: Benign (2); Likely benign (4). 1 of the submissions does not count toward it. Last evaluated 2025-12-03.

Conditions:
WFS1-related disorder. Identifiers: MedGen CN379391, MONDO:0700293.
WFS1-Related Spectrum Disorders.
Autosomal dominant nonsyndromic hearing loss 6 (LFSNHL). Also called: DEAFNESS, AUTOSOMAL DOMINANT 14; DEAFNESS, AUTOSOMAL DOMINANT 38; Autosomal dominant nonsyndromic deafness 6; DEAFNESS, AUTOSOMAL DOMINANT 6. Identifiers: Orphanet 90635, MedGen C1833021, MONDO:0010963, OMIM 600965.

Submissions (7):

Labcorp Genetics (formerly Invitae), Labcorp
Classification: Benign. Last evaluated: 2025-12-03. Review status: criteria provided, single submitter. Criteria: Invitae Variant Classification Sherloc (09022015). Collection method: clinical testing. Allele origin: germline.

Blueprint Genetics
Classification: Likely benign. Last evaluated: 2024-08-05. Review status: criteria provided, single submitter. Criteria: ACMG Guidelines, 2015. Collection method: clinical testing. Allele origin: germline.

GeneDx
Classification: Likely benign. Last evaluated: 2021-05-28. Review status: criteria provided, single submitter. Criteria: GeneDx Variant Classification Process June 2021. Collection method: clinical testing. Allele origin: germline. Affected: yes.

Illumina Laboratory Services, Illumina
Classification: Likely benign for Autosomal dominant nonsyndromic hearing loss 6. Last evaluated: 2017-04-27. Review status: criteria provided, single submitter. Criteria: ICSL Variant Classification Criteria 13 December 2019. Collection method: clinical testing. Allele origin: germline.
Comment: This variant was observed as part of a predisposition screen in an ostensibly healthy population. A literature search was performed for the gene, cDNA change, and amino acid change (where applicable). No publications were found based on this search. Allele frequency data from public databases allowed determination this variant is unlikely to cause disease. Therefore, this variant is classified as likely benign.

Illumina Laboratory Services, Illumina
Classification: Benign for WFS1-Related Spectrum Disorders. Last evaluated: 2017-04-27. Review status: criteria provided, single submitter. Criteria: ICSL Variant Classification Criteria 13 December 2019. Collection method: clinical testing. Allele origin: germline.
Comment: This variant was observed as part of a predisposition screen in an ostensibly healthy population. A literature search was performed for the gene, cDNA change, and amino acid change (where applicable). No publications were found based on this search. Allele frequency data from public databases was too high to be consistent with this variant causing disease. Therefore, this variant is classified as benign.

Laboratory for Molecular Medicine, Mass General Brigham Personalized Medicine
Classification: Likely benign. Last evaluated: 2013-04-11. Review status: criteria provided, single submitter. Criteria: LMM Criteria. Collection method: clinical testing. Allele origin: germline. Observed: 1 variant allele.
Comment: Leu432Leu in exon 8 of WFS1: This variant is not expected to have clinical signi ficance because it does not alter an amino acid residue and is not located withi n the splice consensus sequence.

PreventionGenetics, part of Exact Sciences
Classification: Benign for WFS1-related condition. Last evaluated: 2019-09-04. Review status: no assertion criteria provided. Collection method: clinical testing. Allele origin: germline. Not counted in ClinVar's aggregate classification.
Comment: This variant is classified as benign based on ACMG/AMP sequence variant interpretation guidelines (Richards et al. 2015 PMID: 25741868, with internal and published modifications).

NM_006005.3(WFS1):c.1294C>T (p.Leu432=)

Gene: WFS1 (wolframin ER transmembrane glycoprotein; plus strand). Cytogenetic location: 4p16.1.
Variant type: single nucleotide variant.
Coding change: c.1294C>T on transcript NM_006005.3 (MANE Select); coding-DNA position 1294, C replaced by T.
Protein change: p.Leu432=; no amino-acid change (leucine 432 retained).
Molecular consequence: synonymous variant.
Genome position (GRCh38, 1-based): chr4:6,301,089, C>T. VCF-style: chr4-6301089-C-T. GRCh37 (hg19) VCF-style: chr4-6302816-C-T.
Other names: c.1294C>T, p.Leu432= (NM_001145853.1).
Identifiers: ClinVar variation 166586 (VCV000166586.23), dbSNP rs35031397, ClinGen allele CA179645.
Genomic context (GRCh38, chr4:6,301,089, plus strand): 5'-GTCTTCTTCGTCATCTTCTCCTTCCCCATCGCCAGCAAGGACTGCATCCCCTGCTCGGAG[C>T]TGGCTGTCATCACCGGCTTCTTTACCGTGACCAGCTACCTGAGCCTGAGCACCCATGCAG-3'
Protein context (NP_005996.2, residues 422-442): ASKDCIPCSE[Leu432=]AVITGFFTVT